The following is an entry in ClinVar:

NM_000455.5(STK11):c.553A>C (p.Thr185Pro)

Gene: STK11 (serine/threonine kinase 11; plus strand). Cytogenetic location: 19p13.3.
Variant type: single nucleotide variant.
Coding change: c.553A>C on transcript NM_000455.5 (MANE Select); coding-DNA position 553, A replaced by C.
Protein change: p.Thr185Pro; replaces threonine 185 with proline.
Molecular consequence: missense variant.
Genome position (GRCh38, 1-based): chr19:1,220,461, A>C. VCF-style: chr19-1220461-A-C. GRCh37 (hg19) VCF-style: chr19-1220460-A-C.
Other names: c.553A>C, p.Thr185Pro (NM_001407255.1); short protein forms T185P.
Identifiers: ClinVar variation 1748179 (VCV001748179.2), dbSNP rs2145424509, ClinGen allele CA402949143.

ClinVar aggregate classification (germline): Uncertain significance (1 of 4 stars; one submission).

Conditions:
Hereditary cancer-predisposing syndrome. Also called: Hereditary Cancer Syndrome; Hereditary neoplastic syndrome; Neoplastic Syndromes, Hereditary; Tumor predisposition. Identifiers: Orphanet 140162, MedGen C0027672, MeSH D009386, MONDO:0015356.

Submission:

Ambry Genetics
Classification: Uncertain significance for Hereditary cancer-predisposing syndrome. Last evaluated: 2021-04-20. Review status: criteria provided, single submitter. Criteria: Ambry Variant Classification Scheme 2023. Collection method: clinical testing. Allele origin: germline.
Comment: The p.T185P variant (also known as c.553A>C), located in coding exon 4 of the STK11 gene, results from an A to C substitution at nucleotide position 553. The threonine at codon 185 is replaced by proline, an amino acid with highly similar properties. This amino acid position is highly conserved in available vertebrate species. In addition, this alteration is predicted to be deleterious by in silico analysis. Since supporting evidence is limited at this time, the clinical significance of this alteration remains unclear.